The following is an entry in ClinVar:

ClinVar aggregate classification (germline): Benign. Review status: criteria provided, single submitter (1 of 4 stars). 2 submissions from 1 submitter: Benign (2). Last evaluated 2018-01-13.

Conditions:
Hereditary motor and sensory neuropathy with optic atrophy. Also called: PERIPHERAL NEUROPATHY AND OPTIC ATROPHY; CHARCOT-MARIE-TOOTH DISEASE, TYPE 6. Identifiers: Orphanet 90120, MedGen C0393807, MONDO:0019551.
Charcot-Marie-Tooth disease type 2. Also called: Charcot-Marie-Tooth type 2. Identifiers: Orphanet 64746, MedGen C0270914, MONDO:0018993.

Allele frequency attached by ClinVar (database versions not stated): 1000 Genomes Project 0.00419; 1000 Genomes Project 30x 0.00468; gnomAD 0.00427 and 0.00395; TOPMed 0.00420.

Submissions (2):

Illumina Laboratory Services, Illumina
Classification: Benign for Neuropathy, hereditary motor and sensory, type 6A. Last evaluated: 2018-01-13. Review status: criteria provided, single submitter. Criteria: ICSL Variant Classification Criteria 13 December 2019. Collection method: clinical testing. Allele origin: germline.
Comment: This variant was observed in the ICSL laboratory as part of a predisposition screen in an ostensibly healthy population. It had not been previously curated by ICSL or reported in the Human Gene Mutation Database (HGMD: prior to June 1st, 2018), and was therefore a candidate for classification through an automated scoring system. Utilizing variant allele frequency, disease prevalence and penetrance estimates, and inheritance mode, an automated score was calculated to assess if this variant is too frequent to cause the disease. Based on the score and internal cut-off values, a variant classified as benign is not then subjected to further curation. The score for this variant resulted in a classification of benign for this disease.

Illumina Laboratory Services, Illumina
Classification: Benign for Charcot-Marie-Tooth disease, type 2. Last evaluated: 2018-01-13. Review status: criteria provided, single submitter. Criteria: ICSL Variant Classification Criteria 13 December 2019. Collection method: clinical testing. Allele origin: germline.
Comment: the same text as in the submission from Illumina Laboratory Services, Illumina above.

NM_014874.4(MFN2):c.*1034C>T

Gene: MFN2 (mitofusin 2; plus strand). Cytogenetic location: 1p36.22.
Variant type: single nucleotide variant.
Coding change: c.*1034C>T on transcript NM_014874.4 (MANE Select); 1034 bases downstream of the stop codon, C replaced by T.
Molecular consequence: 3 prime UTR variant.
Genome position (GRCh38, 1-based): chr1:12,012,599, C>T. VCF-style: chr1-12012599-C-T. GRCh37 (hg19) VCF-style: chr1-12072656-C-T.
Other names: c.*1034C>T (NM_001127660.2).
Identifiers: ClinVar variation 875789 (VCV000875789.4), dbSNP rs56333319, ClinGen allele CA18018646.
Genomic context (GRCh38, chr1:12,012,599, plus strand): 5'-ACCCACTAGGCTTGATTGCATCCCTGTTGTGCCCTTTAAGAGACATGTTTCCACCCCACC[C>T]CCAACCTTGTCCCAAGTGCCCTGGACTAAATTTCCTGTGCCAGTGACTGCAGTTGGCCAA-3'